The following is an entry in ClinVar:

NM_145068.4(TRPV3):c.*949T>A

Genes: TRPV3 (transient receptor potential cation channel subfamily V member 3; minus strand), SPATA22 (spermatogenesis associated 22; minus strand). Cytogenetic location: 17p13.2.
Variant type: single nucleotide variant.
Coding change: c.*949T>A on transcript NM_145068.4 (MANE Select); 949 bases downstream of the stop codon, T replaced by A.
Molecular consequence: 3 prime UTR variant. On other transcripts: intron variant (2).
Genome position (GRCh38, 1-based): chr17:3,512,968, A>T on the plus strand (T>A on the coding strand, the complement: TRPV3 is on the minus strand). VCF-style: chr17-3512968-A-T. GRCh37 (hg19) VCF-style: chr17-3416262-A-T.
Other names: c.*949T>A (NM_001258205.2); c.-74+444T>A (NM_001321336.2, NM_001321337.2).
Identifiers: ClinVar variation 322729 (VCV000322729.8), dbSNP rs55875649, ClinGen allele CA10639413.

ClinVar aggregate classification (germline): Benign. Review status: criteria provided, multiple submitters, no conflicts (2 of 4 stars). 2 submissions from 2 submitters: Benign (2). Last evaluated 2018-01-12.

Conditions:
Isolated focal non-epidermolytic palmoplantar keratoderma. Also called: Palmoplantar keratoderma, nonepidermolytic, focal 2. Identifiers: Orphanet 448264, MedGen C4225339, MONDO:0014622, OMIM 616400.

Allele frequency attached by ClinVar (database versions not stated): 1000 Genomes Project 0.15056; gnomAD 0.17187 and 0.17780; 1000 Genomes Project 30x 0.15209; TOPMed 0.16913.

Submissions (2):

Illumina Laboratory Services, Illumina
Classification: Benign for Isolated focal non-epidermolytic palmoplantar keratoderma. Last evaluated: 2018-01-12. Review status: criteria provided, single submitter. Criteria: ICSL Variant Classification Criteria 13 December 2019. Collection method: clinical testing. Allele origin: germline.
Comment: This variant was observed in the ICSL laboratory as part of a predisposition screen in an ostensibly healthy population. It had not been previously curated by ICSL or reported in the Human Gene Mutation Database (HGMD: prior to June 1st, 2018), and was therefore a candidate for classification through an automated scoring system. Utilizing variant allele frequency, disease prevalence and penetrance estimates, and inheritance mode, an automated score was calculated to assess if this variant is too frequent to cause the disease. Based on the score and internal cut-off values, a variant classified as benign is not then subjected to further curation. The score for this variant resulted in a classification of benign for this disease.

Breakthrough Genomics
Classification: Benign. Review status: criteria provided, single submitter. Criteria: ACMG Guidelines, 2015. Collection method: not provided. Allele origin: germline. Inheritance: Autosomal dominant inheritance. Affected: yes.